The following is an entry in ClinVar:

ClinVar aggregate classification (germline): Uncertain significance (1 of 4 stars; one submission).

Conditions:
TAOK2-related disorder. Also called: TAOK2-related condition.

Submission:

PreventionGenetics, part of Exact Sciences
Classification: Uncertain significance for TAOK2-related condition. Last evaluated: 2026-03-17. Review status: criteria provided, single submitter. Criteria: ACMG Guidelines, 2015. Collection method: clinical testing. Allele origin: germline.
Comment: The TAOK2 c.3230T>C variant is predicted to result in the amino acid substitution p.Val1077Ala. To our knowledge, this variant has not been reported in the literature or in a large population database (gnomAD), indicating this variant is rare. At this time, the clinical significance of this variant is uncertain due to the absence of conclusive functional and genetic evidence.

NM_016151.4(TAOK2):c.3230T>C (p.Val1077Ala)

Gene: TAOK2 (TAO kinase 2; plus strand). Cytogenetic location: 16p11.2.
Variant type: single nucleotide variant.
Coding change: c.3230T>C on transcript NM_016151.4 (MANE Select); coding-DNA position 3230, T replaced by C.
Protein change: p.Val1077Ala; replaces valine 1077 with alanine.
Molecular consequence: missense variant. On other transcripts: intron variant (1).
Genome position (GRCh38, 1-based): chr16:29,987,502, T>C. VCF-style: chr16-29987502-T-C. GRCh37 (hg19) VCF-style: chr16-29998823-T-C.
Other names: c.2891T>C, p.Val964Ala (NM_001252043.2); c.2232+998T>C (NM_004783.4); short protein forms V1077A, V964A.
Identifiers: ClinVar variation 4993506 (VCV004993506.1).